The following is an entry in ClinVar:

NM_006767.4(LZTR1):c.267G>T (p.Lys89Asn)

Gene: LZTR1 (leucine zipper like post translational regulator 1; plus strand). Cytogenetic location: 22q11.21.
Variant type: single nucleotide variant.
Coding change: c.267G>T on transcript NM_006767.4 (MANE Select); coding-DNA position 267, G replaced by T.
Protein change: p.Lys89Asn; replaces lysine 89 with asparagine.
Molecular consequence: missense variant.
Genome position (GRCh38, 1-based): chr22:20,985,844, G>T. VCF-style: chr22-20985844-G-T. GRCh37 (hg19) VCF-style: chr22-21340133-G-T.
Other names: short protein forms K89N.
Identifiers: ClinVar variation 1717788 (VCV001717788.5), dbSNP rs2518610589, ClinGen allele CA410778781.

ClinVar aggregate classification (germline): Uncertain significance (1 of 4 stars; one submission).

Submission:

Labcorp Genetics (formerly Invitae), Labcorp
Classification: Uncertain significance. Last evaluated: 2022-08-22. Review status: criteria provided, single submitter. Criteria: Invitae Variant Classification Sherloc (09022015). Collection method: clinical testing. Allele origin: germline.
Comment: In summary, the available evidence is currently insufficient to determine the role of this variant in disease. Therefore, it has been classified as a Variant of Uncertain Significance. Algorithms developed to predict the effect of sequence changes on RNA splicing suggest that this variant may disrupt the consensus splice site. Algorithms developed to predict the effect of missense changes on protein structure and function are either unavailable or do not agree on the potential impact of this missense change (SIFT: "Deleterious"; PolyPhen-2: "Probably Damaging"; Align-GVGD: "Class C0"). This variant has not been reported in the literature in individuals affected with LZTR1-related conditions. This variant is not present in population databases (gnomAD no frequency). This sequence change replaces lysine, which is basic and polar, with asparagine, which is neutral and polar, at codon 89 of the LZTR1 protein (p.Lys89Asn).